The following is an entry in ClinVar:

ClinVar aggregate classification (germline): Uncertain significance. Review status: criteria provided, multiple submitters, no conflicts (2 of 4 stars). 2 submissions from 2 submitters: Uncertain significance (2). Last evaluated 2022-11-10.

Conditions:
Dystonia 12 (DYT12). Also called: DYT-ATP1A3; Rapid-Onset Dystonia-Parkinsonism (RDP). Identifiers: Orphanet 71517, MedGen C1868681, MONDO:0007496, OMIM 128235.

Allele frequency attached by ClinVar (database versions not stated): gnomAD exomes below 0.00001.
gnomAD v4.1: 1 of 1,614,126 alleles (0.000062%); highest among the groups gnomAD compares: Non-Finnish European, 0.000085%; no homozygotes.

Submissions (2):

Labcorp Genetics (formerly Invitae), Labcorp
Classification: Uncertain significance for Dystonia 12. Last evaluated: 2022-11-10. Review status: criteria provided, single submitter. Criteria: Invitae Variant Classification Sherloc (09022015). Collection method: clinical testing. Allele origin: germline.
Comment: This variant has not been reported in the literature in individuals affected with ATP1A3-related conditions. ClinVar contains an entry for this variant (Variation ID: 1045325). Advanced modeling of protein sequence and biophysical properties (such as structural, functional, and spatial information, amino acid conservation, physicochemical variation, residue mobility, and thermodynamic stability) performed at Invitae indicates that this missense variant is expected to disrupt ATP1A3 protein function. In summary, the available evidence is currently insufficient to determine the role of this variant in disease. Therefore, it has been classified as a Variant of Uncertain Significance. This variant is not present in population databases (gnomAD no frequency). This sequence change replaces valine, which is neutral and non-polar, with alanine, which is neutral and non-polar, at codon 934 of the ATP1A3 protein (p.Val934Ala).

GeneDx
Classification: Uncertain significance. Last evaluated: 2022-09-06. Review status: criteria provided, single submitter. Criteria: GeneDx Variant Classification Process June 2021. Collection method: clinical testing. Allele origin: germline. Affected: yes.
Comment: Not observed at significant frequency in large population cohorts (gnomAD); In silico analysis supports that this missense variant does not alter protein structure/function; Has not been previously published as pathogenic or benign to our knowledge

NM_152296.5(ATP1A3):c.2801T>C (p.Val934Ala)

Gene: ATP1A3 (ATPase Na+/K+ transporting subunit alpha 3; minus strand). Cytogenetic location: 19q13.2.
Variant type: single nucleotide variant.
Coding change: c.2801T>C on transcript NM_152296.5 (MANE Select); coding-DNA position 2801, T replaced by C.
Protein change: p.Val934Ala; replaces valine 934 with alanine.
Molecular consequence: missense variant.
Genome position (GRCh38, 1-based): chr19:41,968,803, A>G on the plus strand (T>C on the coding strand, the complement: ATP1A3 is on the minus strand). VCF-style: chr19-41968803-A-G. GRCh37 (hg19) VCF-style: chr19-42472955-A-G.
Other names: c.2834T>C, p.Val945Ala (NM_001256213.2); c.2840T>C, p.Val947Ala (NM_001256214.2); c.2801T>C (NM_152296.4); short protein forms V945A, V934A, V947A.
Identifiers: ClinVar variation 1045325 (VCV001045325.9), dbSNP rs2075071034, ClinGen allele CA406035827.